The following is an entry in ClinVar:

ClinVar aggregate classification (germline): Uncertain significance. Review status: criteria provided, multiple submitters, no conflicts (2 of 4 stars). 2 submissions from 2 submitters: Uncertain significance (2). Last evaluated 2024-09-23.

Conditions:
Exudative vitreoretinopathy 4 (EVR4). Identifiers: Orphanet 891, MedGen C1866176, MONDO:0011151, OMIM 601813.
Bone mineral density quantitative trait locus 1 (BMND1). Identifiers: MedGen C1866079, OMIM 601884.
Worth disease. Also called: ENDOSTEAL HYPEROSTOSIS, AUTOSOMAL DOMINANT; OSTEOSCLEROSIS, AUTOSOMAL DOMINANT; Autosomal dominant osteosclerosis, Worth type. Identifiers: Orphanet 2790, MedGen C0432273, MONDO:0007764, OMIM 144750.
Exudative vitreoretinopathy 1 (EVR1). Also called: CRISWICK-SCHEPENS SYNDROME; FEVR, AUTOSOMAL DOMINANT; Familial exudative vitreoretinopathy, autosomal dominant. Identifiers: Orphanet 891, Orphanet 90050, MedGen C1851402, MONDO:0007589, OMIM 133780.
Osteoporosis with pseudoglioma (OPPG). Also called: osteoporosis-pseudoglioma syndrome. Identifiers: Orphanet 2788, MedGen C0432252, MONDO:0009820, OMIM 259770.
Polycystic liver disease 4 with or without kidney cysts. Identifiers: MedGen C4693479, MONDO:0044327, OMIM 617875.
Osteoporosis. Identifiers: MedGen C0029456, MONDO:0005298, OMIM 166710, HP:0000939.
Autosomal dominant osteopetrosis 1 (OPTA1). Also called: OSTEOPETROSIS, AUTOSOMAL DOMINANT, TYPE I. Identifiers: Orphanet 2783, MedGen C1843330, MONDO:0011877, OMIM 607634.

Submissions (2):

Labcorp Genetics (formerly Invitae), Labcorp
Classification: Uncertain significance. Last evaluated: 2024-09-23. Review status: criteria provided, single submitter. Criteria: Invitae Variant Classification Sherloc (09022015). Collection method: clinical testing. Allele origin: germline.
Comment: This variant, c.46_60del, results in the deletion of 5 amino acid(s) of the LRP5 protein (p.Leu16_Leu20del), but otherwise preserves the integrity of the reading frame. The frequency data for this variant in the population databases is considered unreliable, as metrics indicate insufficient coverage at this position in the gnomAD database. This variant has not been reported in the literature in individuals affected with LRP5-related conditions. In summary, the available evidence is currently insufficient to determine the role of this variant in disease. Therefore, it has been classified as a Variant of Uncertain Significance.

Fulgent Genetics
Classification: Uncertain significance for Exudative vitreoretinopathy 1; Worth disease; Osteoporosis; Osteoporosis with pseudoglioma; Exudative vitreoretinopathy 4; Bone mineral density quantitative trait locus 1; Autosomal dominant osteopetrosis 1; Polycystic liver disease 4 with or without kidney cysts. Last evaluated: 2021-09-23. Review status: criteria provided, single submitter. Criteria: ACMG Guidelines, 2015. Collection method: clinical testing. Allele origin: unknown.

NM_002335.4(LRP5):c.34CTG[4] (p.Leu16_Leu20del)

Gene: LRP5 (LDL receptor related protein 5; plus strand). Cytogenetic location: 11q13.2.
Variant type: Microsatellite.
Coding change: c.34CTG[4] on transcript NM_002335.4 (MANE Select); four copies in a row of the 3-base unit CTG starting at c.34; the reference has nine copies in a row; five copies, 15 bases deleted; also written c.46_60del.
Protein change: p.Leu16_Leu20del.
Molecular consequence: inframe deletion. On other transcripts: 5 prime UTR variant (1).
Genome position (GRCh38, 1-based): chr11:68,312,760-68,312,774, CTGCTGCTGCTGCTG deleted; deleting any 15 consecutive bases within chr11:68,312,747-68,312,774 gives the same sequence; the position shown is the placement nearest the transcript's 3' end. VCF-style (leftmost placement, unchanged base first): chr11-68312746-CGCTGCTGCTGCTGCT-C. GRCh37 (hg19) VCF-style: chr11-68080214-CGCTGCTGCTGCTGCT-C.
Other names: c.-1732CTG[4] (NM_001291902.2); c.46_60del (NM_002335.4).
Identifiers: ClinVar variation 1401756 (VCV001401756.9), dbSNP rs72555376, ClinGen allele CA679589741.